The following is an entry in ClinVar:

ClinVar aggregate classification (germline): Uncertain significance (0 of 4 stars; one submission).

Allele frequency attached by ClinVar (database versions not stated): ExAC 0.00021; gnomAD 0.00022 and 0.00024; gnomAD exomes 0.00022 and 0.00042; TOPMed 0.00024; ESP Exome Variant Server 0.00031.
gnomAD v4.1: 635 of 1,613,996 alleles (0.039%); highest among the groups gnomAD compares: Non-Finnish European, 0.052%; no homozygotes.

Submission:

Department of Pathology and Laboratory Medicine, Sinai Health System
Classification: Uncertain significance. Review status: no assertion criteria provided. Collection method: clinical testing. Allele origin: unknown. Affected: yes. Study: The Canadian Open Genetics Repository (COGR).
Comment: The TLR2 p.Ser40Leu variant was not identified in the literature nor was it identified in ClinVar or Cosmic. The variant identified in dbSNP (ID: rs141039581) and was also found in control databases in 66 of 282790 chromosomes at a frequency of 0.000233 (Genome Aggregation Database Feb 27, 2017). The variant was observed in the following populations: European (non-Finnish) in 65 of 129130 chromosomes (freq: 0.000503) and European (Finnish) in 1 of 25120 chromosomes (freq: 0.00004), while the variant was not observed in the African, Latino, Ashkenazi Jewish, East Asian, Other and South Asian populations. The variant occurs outside of the splicing consensus sequence and in silico or computational prediction software programs (SpliceSiteFinder, MaxEntScan, NNSPLICE, GeneSplicer) do not predict a difference in splicing. The p.Ser40 residue is conserved in mammals but not in more distantly related organisms, and four out of five computational analyses (PolyPhen-2, SIFT, BLOSUM, MutationTaster) suggest that the variant may impact the protein; however, this information is not predictive enough to assume pathogenicity. In summary, based on the above information the clinical significance of this variant cannot be determined with certainty at this time. This variant is classified as a variant of uncertain significance.

NM_001318789.2(TLR2):c.119C>T (p.Ser40Leu)

Gene: TLR2 (toll like receptor 2; plus strand). Cytogenetic location: 4q31.3.
Variant type: single nucleotide variant.
Coding change: c.119C>T on transcript NM_001318789.2 (MANE Select); coding-DNA position 119, C replaced by T.
Protein change: p.Ser40Leu; replaces serine 40 with leucine.
Molecular consequence: missense variant.
Genome position (GRCh38, 1-based): chr4:153,703,026, C>T. VCF-style: chr4-153703026-C-T. GRCh37 (hg19) VCF-style: chr4-154624178-C-T.
Other names: c.119C>T, p.Ser40Leu (NM_001318787.2, NM_001318790.2, NM_001318791.2 and 4 more transcripts); short protein forms S40L.
Identifiers: ClinVar variation 1049682 (VCV001049682.1), dbSNP rs141039581, ClinGen allele CA3110671.